The following is an entry in ClinVar:

ClinVar aggregate classification (germline): Uncertain significance. Review status: criteria provided, multiple submitters, no conflicts (2 of 4 stars). 2 submissions from 2 submitters: Uncertain significance (2). Last evaluated 2023-03-21.

Conditions:
Severe combined immunodeficiency due to DNA-PKcs deficiency. Also called: IMMUNODEFICIENCY 26 WITH NEUROLOGIC ABNORMALITIES; Immunodeficiency 26 with or without neurologic abnormalities. Identifiers: Orphanet 317425, MedGen C4014833, MONDO:0014423, OMIM 615966.

Allele frequency attached by ClinVar (database versions not stated): TOPMed below 0.00001; ExAC 0.00001; gnomAD 0.00001; gnomAD exomes 0.00001.
gnomAD v4.1: 8 of 1,613,328 alleles (0.0005%); highest among the groups gnomAD compares: Non-Finnish European, 0.00059%; no homozygotes.

Submissions (2):

Ambry Genetics
Classification: Uncertain significance. Last evaluated: 2023-03-21. Review status: criteria provided, single submitter. Criteria: Ambry Variant Classification Scheme 2023. Collection method: clinical testing. Allele origin: germline.

Labcorp Genetics (formerly Invitae), Labcorp
Classification: Uncertain significance for Severe combined immunodeficiency due to DNA-PKcs deficiency. Last evaluated: 2021-03-12. Review status: criteria provided, single submitter. Criteria: Invitae Variant Classification Sherloc (09022015). Collection method: clinical testing. Allele origin: germline.
Comment: Experimental studies and prediction algorithms are not available or were not evaluated, and the functional significance of this variant is currently unknown. In summary, the available evidence is currently insufficient to determine the role of this variant in disease. Therefore, it has been classified as a Variant of Uncertain Significance. This variant has not been reported in the literature in individuals with PRKDC-related conditions. This variant is present in population databases (rs751033972, ExAC 0.002%). This sequence change replaces aspartic acid with glycine at codon 1027 of the PRKDC protein (p.Asp1027Gly). The aspartic acid residue is highly conserved and there is a moderate physicochemical difference between aspartic acid and glycine.

NM_006904.7(PRKDC):c.3080A>G (p.Asp1027Gly)

Gene: PRKDC (protein kinase, DNA-activated, catalytic subunit; minus strand). Cytogenetic location: 8q11.21.
Variant type: single nucleotide variant.
Coding change: c.3080A>G on transcript NM_006904.7 (MANE Select); coding-DNA position 3080, A replaced by G.
Protein change: p.Asp1027Gly; replaces aspartic acid 1027 with glycine.
Molecular consequence: missense variant.
Genome position (GRCh38, 1-based): chr8:47,902,758, T>C on the plus strand (A>G on the coding strand, the complement: PRKDC is on the minus strand). VCF-style: chr8-47902758-T-C. GRCh37 (hg19) VCF-style: chr8-48815318-T-C.
Other names: c.3080A>G, p.Asp1027Gly (NM_001081640.2); c.3080A>G (NM_006904.6); short protein forms D1027G.
Identifiers: ClinVar variation 1437724 (VCV001437724.5), dbSNP rs751033972, ClinGen allele CA4741271.
Genomic context (GRCh38, chr8:47,902,758, plus strand): 5'-TGTGGTGTTATTTGCTTAATGGACCATTTAAGGAATTCTCGAATACACCGACCACAAAAA[T>C]CTCTTAAAGTACTGTCAACAGGGTCCACAATTCCATCCTGAAACAAAACAAAGAGACCTT-3'
Protein context (NP_008835.5, residues 1017-1037): IVDPVDSTLR[Asp1027Gly]FCGRCIREFL